The following is an entry in ClinVar:

NM_003797.5(EED):c.248A>T (p.Lys83Ile)

Gene: EED (embryonic ectoderm development; plus strand). Cytogenetic location: 11q14.2.
Variant type: single nucleotide variant.
Coding change: c.248A>T on transcript NM_003797.5 (MANE Select); coding-DNA position 248, A replaced by T.
Protein change: p.Lys83Ile; replaces lysine 83 with isoleucine.
Molecular consequence: missense variant. On other transcripts: intron variant (2).
Genome position (GRCh38, 1-based): chr11:86,250,429, A>T. VCF-style: chr11-86250429-A-T. GRCh37 (hg19) VCF-style: chr11-85961471-A-T.
Other names: c.248A>T, p.Lys83Ile (NM_001308007.2, NM_001330334.2, NM_001440586.1 and 13 more transcripts); c.115-4793A>T (NM_001440598.1, NM_001440601.1); short protein forms K83I.
Identifiers: ClinVar variation 4527796 (VCV004527796.2).

ClinVar aggregate classification (germline): Uncertain significance. Review status: criteria provided, multiple submitters, no conflicts (2 of 4 stars). 2 submissions from 2 submitters: Uncertain significance (2). Last evaluated 2025-04-28.

Conditions:
Cohen-Gibson syndrome (COGIS). Also called: EED-Related Overgrowth. Identifiers: Orphanet 659396, MedGen C4479654, MONDO:0060510, OMIM 617561.

Submissions (2):

GeneDx
Classification: Uncertain significance. Last evaluated: 2025-04-28. Review status: criteria provided, single submitter. Criteria: GeneDx Variant Classification Process June 2021. Collection method: clinical testing. Allele origin: germline. Affected: yes.
Comment: Not observed at significant frequency in large population cohorts (gnomAD); In silico analysis supports that this missense variant has a deleterious effect on protein structure/function; Has not been previously published as pathogenic or benign to our knowledge

Labcorp Genetics (formerly Invitae), Labcorp
Classification: Uncertain significance for Cohen-Gibson syndrome. Last evaluated: 2025-03-18. Review status: criteria provided, single submitter. Criteria: Invitae Variant Classification Sherloc (09022015). Collection method: clinical testing. Allele origin: germline.
Comment: This sequence change replaces lysine, which is basic and polar, with isoleucine, which is neutral and non-polar, at codon 83 of the EED protein (p.Lys83Ile). This variant is not present in population databases (gnomAD no frequency). This variant has not been reported in the literature in individuals affected with EED-related conditions. Invitae Evidence Modeling of protein sequence and biophysical properties (such as structural, functional, and spatial information, amino acid conservation, physicochemical variation, residue mobility, and thermodynamic stability) indicates that this missense variant is not expected to disrupt EED protein function with a negative predictive value of 80%. In summary, the available evidence is currently insufficient to determine the role of this variant in disease. Therefore, it has been classified as a Variant of Uncertain Significance.